The following is an entry in ClinVar:

NM_001128228.3(TPRN):c.162C>A (p.Gly54=)

Genes: TPRN (taperin; minus strand), LOC130003093 (ATAC-STARR-seq lymphoblastoid silent region 20590; plus strand). Cytogenetic location: 9q34.3.
Variant type: single nucleotide variant.
Coding change: c.162C>A on transcript NM_001128228.3 (MANE Select); coding-DNA position 162, C replaced by A.
Protein change: p.Gly54=; no amino-acid change (glycine 54 retained).
Molecular consequence: synonymous variant.
Genome position (GRCh38, 1-based): chr9:137,200,550, G>T on the plus strand (C>A on the coding strand, the complement: TPRN is on the minus strand). VCF-style: chr9-137200550-G-T. GRCh37 (hg19) VCF-style: chr9-140095002-G-T.
Identifiers: ClinVar variation 683161 (VCV000683161.37), dbSNP rs562167855, ClinGen allele CA5362894.

ClinVar aggregate classification (germline): Benign/Likely benign. Review status: criteria provided, multiple submitters, no conflicts (2 of 4 stars). 6 submissions from 6 submitters: Benign (1); Likely benign (5). Last evaluated 2026-07-01.

Allele frequency attached by ClinVar (database versions not stated): 1000 Genomes Project 0.00040; 1000 Genomes Project 30x 0.00141; TOPMed 0.00266; gnomAD 0.00283 and 0.00287; gnomAD exomes 0.00383; ExAC 0.00500.
gnomAD v4.1: 4,184 of 1,161,390 alleles (0.36%); highest among the groups gnomAD compares: Non-Finnish European, 0.41%; 8 homozygotes.

Submissions (6):

CeGaT Center for Human Genetics Tuebingen
Classification: Likely benign. Last evaluated: 2026-07-01. Review status: criteria provided, single submitter. Criteria: CeGaT Center For Human Genetics Tuebingen Variant Classification Criteria Version 2. Collection method: clinical testing. Allele origin: germline. Affected: yes. Observed: 5 variant alleles.
Comment: TPRN: BP4, BP7

Labcorp Genetics (formerly Invitae), Labcorp
Classification: Benign. Last evaluated: 2026-01-05. Review status: criteria provided, single submitter. Criteria: Invitae Variant Classification Sherloc (09022015). Collection method: clinical testing. Allele origin: germline.

Blueprint Genetics
Classification: Likely benign. Last evaluated: 2024-11-27. Review status: criteria provided, single submitter. Criteria: ACMG Guidelines, 2015. Collection method: clinical testing. Allele origin: germline.

GeneDx
Classification: Likely benign. Last evaluated: 2021-07-15. Review status: criteria provided, single submitter. Criteria: GeneDx Variant Classification Process June 2021. Collection method: clinical testing. Allele origin: germline. Affected: yes.

Athena Diagnostics
Classification: Likely benign. Last evaluated: 2018-12-07. Review status: criteria provided, single submitter. Criteria: Athena Diagnostics Criteria. Collection method: clinical testing. Allele origin: germline.

Breakthrough Genomics
Classification: Likely benign. Review status: criteria provided, single submitter. Criteria: ACMG Guidelines, 2015. Collection method: not provided. Allele origin: germline. Inheritance: Autosomal recessive inheritance. Affected: yes.